The following is an entry in ClinVar:

ClinVar aggregate classification (germline): Likely pathogenic (1 of 4 stars; one submission).

Conditions:
Methylmalonic aciduria, cblA type (MACA). Also called: Methylmalonic aciduria, vitamin b12-responsive, due to defect in synthesis of adenosylcobalamin, cbla complementation type; MMA cbl A type; Methylmalonic acidemia cblA type; Methylmalonic aciduria, vitamin B12-responsive; Vitamin B12-responsive methylmalonic acidemia type cblA. Identifiers: Orphanet 28, Orphanet 79310, MedGen C1855109, MONDO:0009613, OMIM 251100.

Submission:

Myriad Genetics, Inc.
Classification: Likely pathogenic for Methylmalonic aciduria, cblA type. Last evaluated: 2022-03-15. Review status: criteria provided, single submitter. Criteria: Myriad Women's Health Autosomal Recessive and X-Linked Classification Criteria (2021). Collection method: clinical testing. Allele origin: unknown.
Comment: NM_172250.2(MMAA):c.420_422del3ins7(K140Nfs*31) is expected to be pathogenic in the context of methylmalonic acidemia, cblA type. This variant is predicted to lead to an abnormal or absent protein product due to the creation of a premature termination codon in MMAA, a gene where loss-of-function variants are known to be pathogenic. Please note: this variant was assessed in the context of healthy population screening.

NM_172250.3(MMAA):c.420_422delinsTGTGATT (p.Lys140fs)

Gene: MMAA (metabolism of cobalamin associated A; plus strand). Cytogenetic location: 4q31.21.
Variant type: Indel.
Coding change: c.420_422delinsTGTGATT on transcript NM_172250.3 (MANE Select); coding-DNA positions 420 to 422, ACC replaced by TGTGATT.
Protein change: p.Lys140fs; shifts the reading frame from lysine 140.
Molecular consequence: frameshift variant.
Genome position (GRCh38, 1-based): chr4:145,639,559-145,639,561, ACC replaced by TGTGATT. VCF-style: chr4-145639559-ACC-TGTGATT. GRCh37 (hg19) VCF-style: chr4-146560711-ACC-TGTGATT.
Other names: c.420_422delinsTGTGATT, p.Lys140fs (NM_001375644.1); short protein forms K140fs.
Identifiers: ClinVar variation 1725264 (VCV001725264.2), dbSNP rs2546335980, ClinGen allele CA2580071570.